The following is an entry in ClinVar:

NM_021951.3(DMRT1):c.481G>C (p.Glu161Gln)

Gene: DMRT1 (doublesex and mab-3 related transcription factor 1; plus strand). Cytogenetic location: 9p24.3.
Variant type: single nucleotide variant.
Coding change: c.481G>C on transcript NM_021951.3 (MANE Select); coding-DNA position 481, G replaced by C.
Protein change: p.Glu161Gln; replaces glutamic acid 161 with glutamine.
Molecular consequence: missense variant.
Genome position (GRCh38, 1-based): chr9:847,086, G>C. VCF-style: chr9-847086-G-C. GRCh37 (hg19) VCF-style: chr9-847086-G-C.
Other names: c.7G>C, p.Glu3Gln (NM_001363767.1); short protein forms E3Q, E161Q.
Identifiers: ClinVar variation 3653410 (VCV003653410.2).

ClinVar aggregate classification (germline): Uncertain significance (1 of 4 stars; one submission).

gnomAD v4.1: 2 of 1,613,758 alleles (0.00012%); highest among the groups gnomAD compares: Non-Finnish European, 0.00017%; no homozygotes.

Submission:

Labcorp Genetics (formerly Invitae), Labcorp
Classification: Uncertain significance. Last evaluated: 2025-08-18. Review status: criteria provided, single submitter. Criteria: Invitae Variant Classification Sherloc (09022015). Collection method: clinical testing. Allele origin: germline.
Comment: This sequence change replaces glutamic acid, which is acidic and polar, with glutamine, which is neutral and polar, at codon 161 of the DMRT1 protein (p.Glu161Gln). This variant is present in population databases (rs769033830, gnomAD 0.002%). This variant has not been reported in the literature in individuals affected with DMRT1-related conditions. ClinVar contains an entry for this variant (Variation ID: 3653410). Invitae Evidence Modeling of protein sequence and biophysical properties (such as structural, functional, and spatial information, amino acid conservation, physicochemical variation, residue mobility, and thermodynamic stability) indicates that this missense variant is not expected to disrupt DMRT1 protein function with a negative predictive value of 80%. In summary, the available evidence is currently insufficient to determine the role of this variant in disease. Therefore, it has been classified as a Variant of Uncertain Significance.